The following is an entry in ClinVar:

ClinVar aggregate classification (germline): Uncertain significance (1 of 4 stars; one submission).

Conditions:
Retinitis pigmentosa 12 (RP12). Also called: RP WITH OR WITHOUT PPRPE; RP WITH OR WITHOUT PRESERVED PARAARTERIOLE RETINAL PIGMENT EPITHELIUM; RETINITIS PIGMENTOSA WITH OR WITHOUT PARAARTERIOLAR PRESERVATION OF RETINAL PIGMENT EPITHELIUM. Identifiers: Orphanet 791, MedGen C1838647, MONDO:0010818, OMIM 600105.
Leber congenital amaurosis 8 (LCA8). Identifiers: Orphanet 65, MedGen C3151202, MONDO:0013453, OMIM 613835.

Allele frequency attached by ClinVar (database versions not stated): gnomAD exomes below 0.00001 and 0.00001; gnomAD 0.00001; TOPMed 0.00001.

Submission:

Labcorp Genetics (formerly Invitae), Labcorp
Classification: Uncertain significance for Leber congenital amaurosis 8; Retinitis pigmentosa 12. Last evaluated: 2021-09-17. Review status: criteria provided, single submitter. Criteria: Invitae Variant Classification Sherloc (09022015). Collection method: clinical testing. Allele origin: germline.
Comment: This sequence change replaces serine with leucine at codon 659 of the CRB1 protein (p.Ser659Leu). The serine residue is highly conserved and there is a large physicochemical difference between serine and leucine. This variant is not present in population databases (ExAC no frequency). This variant has not been reported in the literature in individuals with CRB1-related conditions. Advanced modeling of protein sequence and biophysical properties (such as structural, functional, and spatial information, amino acid conservation, physicochemical variation, residue mobility, and thermodynamic stability) performed at Invitae indicates that this missense variant is not expected to disrupt CRB1 protein function. In summary, the available evidence is currently insufficient to determine the role of this variant in disease. Therefore, it has been classified as a Variant of Uncertain Significance.

NM_201253.3(CRB1):c.1976C>T (p.Ser659Leu)

Gene: CRB1 (crumbs cell polarity complex component 1; plus strand). Cytogenetic location: 1q31.3.
Variant type: single nucleotide variant.
Coding change: c.1976C>T on transcript NM_201253.3 (MANE Select); coding-DNA position 1976, C replaced by T.
Protein change: p.Ser659Leu; replaces serine 659 with leucine.
Molecular consequence: missense variant. On other transcripts: non-coding transcript variant (2).
Genome position (GRCh38, 1-based): chr1:197,421,804, C>T. VCF-style: chr1-197421804-C-T. GRCh37 (hg19) VCF-style: chr1-197390934-C-T.
Other names: c.1640C>T, p.Ser547Leu (NM_001193640.2); c.1769C>T, p.Ser590Leu (NM_001257965.2); c.1976C>T, p.Ser659Leu (NM_001257966.2); short protein forms S547L, S590L, S659L.
Identifiers: ClinVar variation 1429178 (VCV001429178.5), dbSNP rs986645649, ClinGen allele CA35893896.